The following is an entry in ClinVar:

ClinVar aggregate classification (germline): Uncertain significance. Review status: criteria provided, multiple submitters, no conflicts (2 of 4 stars). 3 submissions from 3 submitters: Uncertain significance (2). 1 of the submissions does not count toward it. Last evaluated 2025-12-01.

Conditions:
Inborn genetic diseases. Identifiers: MedGen C0950123, MeSH D030342.

Allele frequency attached by ClinVar (database versions not stated): ExAC 0.00001; TOPMed 0.00002; gnomAD 0.00003; gnomAD exomes 0.00001 and 0.00003.
gnomAD v4.1: 54 of 1,612,842 alleles (0.0033%); highest among the groups gnomAD compares: Non-Finnish European, 0.0041%; no homozygotes.

Submissions (3):

Labcorp Genetics (formerly Invitae), Labcorp
Classification: Uncertain significance. Last evaluated: 2025-12-01. Review status: criteria provided, single submitter. Criteria: Invitae Variant Classification Sherloc (09022015). Collection method: clinical testing. Allele origin: germline.
Comment: This sequence change replaces methionine, which is neutral and non-polar, with leucine, which is neutral and non-polar, at codon 527 of the KCNQ4 protein (p.Met527Leu). This variant is present in population databases (rs759364617, gnomAD 0.003%). This variant has not been reported in the literature in individuals affected with KCNQ4-related conditions. ClinVar contains an entry for this variant (Variation ID: 985992). Invitae Evidence Modeling of protein sequence and biophysical properties (such as structural, functional, and spatial information, amino acid conservation, physicochemical variation, residue mobility, and thermodynamic stability) indicates that this missense variant is not expected to disrupt KCNQ4 protein function with a negative predictive value of 95%. In summary, the available evidence is currently insufficient to determine the role of this variant in disease. Therefore, it has been classified as a Variant of Uncertain Significance.

Ambry Genetics
Classification: Uncertain significance for Inborn genetic diseases. Last evaluated: 2018-01-02. Review status: criteria provided, single submitter. Criteria: Ambry exome assertion method (8-5-2015). Collection method: clinical testing. Allele origin: germline. Affected: yes. Observed: 1 variant allele.

Department of Pathology and Laboratory Medicine, Sinai Health System
Classification: Uncertain significance. Review status: no assertion criteria provided. Collection method: clinical testing. Allele origin: unknown. Affected: yes. Study: The Canadian Open Genetics Repository (COGR). Not counted in ClinVar's aggregate classification.
Comment: The KCNQ4 p.Met527Leu variant was not identified in the literature nor was it identified in ClinVar, Cosmic, and LOVD 3.0. The variant was identified in dbSNP (ID: rs759364617) and in control databases in 4 of 281756 chromosomes at a frequency of 0.000014 (Genome Aggregation Database Feb 27, 2017). The variant was observed in the following population: European (non-Finnish) in 4 of 128960 chromosomes (freq: 0.000031); it was not observed in the African, Latino, Ashkenazi Jewish, East Asian, European (Finnish), Other, and South Asian populations. The variant occurs outside of the splicing consensus sequence and in silico or computational prediction software programs (SpliceSiteFinder, MaxEntScan, NNSPLICE, and GeneSplicer) do not predict a difference in splicing. The p.Met527 residue is conserved in mammals but not in more distantly related organisms however four out of five computational analyses (PolyPhen-2, SIFT, AlignGVGD, and BLOSUM) do not suggest a high likelihood of impact to the protein; this information is not predictive enough to rule out pathogenicity. In summary, based on the above information the clinical significance of this variant cannot be determined with certainty at this time. This variant is classified as a variant of uncertain significance.

NM_004700.4(KCNQ4):c.1579A>T (p.Met527Leu)

Gene: KCNQ4 (potassium voltage-gated channel subfamily Q member 4; plus strand). Cytogenetic location: 1p34.2.
Variant type: single nucleotide variant.
Coding change: c.1579A>T on transcript NM_004700.4 (MANE Select); coding-DNA position 1579, A replaced by T.
Protein change: p.Met527Leu; replaces methionine 527 with leucine.
Molecular consequence: missense variant.
Genome position (GRCh38, 1-based): chr1:40,833,079, A>T. VCF-style: chr1-40833079-A-T. GRCh37 (hg19) VCF-style: chr1-41298751-A-T.
Other names: c.1417A>T, p.Met473Leu (NM_172163.3); short protein forms M473L, M527L.
Identifiers: ClinVar variation 985992 (VCV000985992.6), dbSNP rs759364617, ClinGen allele CA794934.
Genomic context (GRCh38, chr1:40,833,079, plus strand): 5'-CCCTCAGAGGAAGTAGCAGAGGAGAAGAGCTACCAGTGTGAGCTCACGGTGGACGACATC[A>T]TGCCTGCTGTGAAGACAGTCATCCGCTCCATCAGGTAAGACTGAGGCCTGAGGCGAGCAC-3'
Protein context (NP_004691.2, residues 517-537): YQCELTVDDI[Met527Leu]PAVKTVIRSI